The following is an entry in ClinVar:

NM_001360.3(DHCR7):c.883A>T (p.Ile295Phe)

Gene: DHCR7 (7-dehydrocholesterol reductase; minus strand). Cytogenetic location: 11q13.4.
Variant type: single nucleotide variant.
Coding change: c.883A>T on transcript NM_001360.3 (MANE Select); coding-DNA position 883, A replaced by T.
Protein change: p.Ile295Phe; replaces isoleucine 295 with phenylalanine.
Molecular consequence: missense variant.
Genome position (GRCh38, 1-based): chr11:71,437,892, T>A on the plus strand (A>T on the coding strand, the complement: DHCR7 is on the minus strand). VCF-style: chr11-71437892-T-A. GRCh37 (hg19) VCF-style: chr11-71148938-T-A.
Other names: c.883A>T, p.Ile295Phe (NM_001163817.2); short protein forms I295F.
Identifiers: ClinVar variation 1764832 (VCV001764832.2), dbSNP rs201574502, ClinGen allele CA381703057.
Genomic context (GRCh38, chr11:71,437,892, plus strand): 5'-GCAGCCAGACACAGTCGCCCCAGCCCAGGTACCACCCGAAGTGGTCATGGCAGATGTCAA[T>A]GGTCTTCAGGTACCAGGTTTCGTTCCAGAAGAAGTCAATCACGTAGATGGCCTGCAAGAC-3'
Protein context (NP_001351.2, residues 285-305): FWNETWYLKT[Ile295Phe]DICHDHFGWY

ClinVar aggregate classification (germline): Uncertain significance (1 of 4 stars; one submission).

Conditions:
Inborn genetic diseases. Identifiers: MedGen C0950123, MeSH D030342.

gnomAD v4.1: 1 of 1,613,976 alleles (0.000062%); no homozygotes.

Submission:

Ambry Genetics
Classification: Uncertain significance for Inborn genetic diseases. Last evaluated: 2017-10-12. Review status: criteria provided, single submitter. Criteria: Ambry Variant Classification Scheme 2023. Collection method: clinical testing. Allele origin: germline.
Comment: The p.I295F variant (also known as c.883A>T), located in coding exon 6 of the DHCR7 gene, results from an A to T substitution at nucleotide position 883. The isoleucine at codon 295 is replaced by phenylalanine, an amino acid with highly similar properties. This amino acid position is well conserved in available vertebrate species. In addition, this alteration is predicted to be deleterious by in silico analysis. Since supporting evidence is limited at this time, the clinical significance of this alteration remains unclear.